The following is an entry in ClinVar:

NM_001130987.2(DYSF):c.1265A>G (p.Asp422Gly)

Gene: DYSF (dysferlin; plus strand). Cytogenetic location: 2p13.2.
Variant type: single nucleotide variant.
Coding change: c.1265A>G on transcript NM_001130987.2 (MANE Select); coding-DNA position 1265, A replaced by G.
Protein change: p.Asp422Gly; replaces aspartic acid 422 with glycine.
Molecular consequence: missense variant.
Genome position (GRCh38, 1-based): chr2:71,526,335, A>G. VCF-style: chr2-71526335-A-G. GRCh37 (hg19) VCF-style: chr2-71753465-A-G.
Other names: c.1172A>G, p.Asp391Gly (NM_001130455.2, NM_001130983.2, NM_001130984.2 and 1 more transcripts); c.1169A>G, p.Asp390Gly (NM_001130976.2, NM_001130977.2, NM_001130978.2 and 1 more transcripts); c.1262A>G, p.Asp421Gly (NM_001130979.2, NM_001130980.2, NM_001130981.2); c.1265A>G, p.Asp422Gly (NM_001130982.2, NM_001130985.2); short protein forms D390G, D391G, D421G, D422G.
Identifiers: ClinVar variation 4815123 (VCV004815123.1).

ClinVar aggregate classification (germline): Likely pathogenic (1 of 4 stars; one submission).

Conditions:
Autosomal recessive limb-girdle muscular dystrophy type 2B (LGMDR2). Also called: MUSCULAR DYSTROPHY, LIMB-GIRDLE, TYPE 3; MUSCULAR DYSTROPHY, LIMB-GIRDLE, AUTOSOMAL RECESSIVE 2; Limb-Girdle Muscular Dystrophy Type 2B (LGMD2B); Limb-girdle muscular dystrophy, type 2B. Identifiers: Orphanet 268, MedGen C1850889, MONDO:0009676, OMIM 253601.

Submission:

Natera, Inc.
Classification: Likely pathogenic for Limb-girdle muscular dystrophy type 2B. Last evaluated: 2025-11-13. Review status: criteria provided, single submitter. Criteria: Natera Variant Classification Schema (03/2026). Collection method: clinical testing. Allele origin: germline.
Comment: The c.1169A>G variant in DYSF is a missense variant predicted to cause substitution of aspartic acid to glycine at amino acid 390. This variant is rare in the general population with a frequency below the threshold expected for the associated phenotype(s). This variant has been observed in one or more individuals affected with the associated recessive disease, as either homozygous or compound heterozygous with a second variant (PMID: 33215690). A different variant at the same position has been determined to be Pathogenic or Likely Pathogenic. Computational prediction algorithms indicate this variant is likely to affect gene or protein function. Given the available evidence, this variant is classified as Likely Pathogenic.

Literature cited by the submitters: PubMed 33215690.